The following is an entry in ClinVar:

NM_007208.4(MRPL3):c.277+4A>C

Gene: MRPL3 (mitochondrial ribosomal protein L3; minus strand). Cytogenetic location: 3q22.1.
Variant type: single nucleotide variant.
Coding change: c.277+4A>C on transcript NM_007208.4 (MANE Select); 4 bases into the intron after coding-DNA position 277, A replaced by C.
Molecular consequence: intron variant.
Genome position (GRCh38, 1-based): chr3:131,501,527, T>G on the plus strand (A>C on the coding strand, the complement: MRPL3 is on the minus strand). VCF-style: chr3-131501527-T-G. GRCh37 (hg19) VCF-style: chr3-131220371-T-G.
Other names: p.?.
Identifiers: ClinVar variation 381851 (VCV000381851.15), dbSNP rs77947063, ClinGen allele CA2617194.

ClinVar aggregate classification (germline): Benign. Review status: criteria provided, multiple submitters, no conflicts (2 of 4 stars). 4 submissions from 4 submitters: Benign (4). Last evaluated 2026-01-19.

Allele frequency attached by ClinVar (database versions not stated): gnomAD exomes 0.00257 and 0.00671; ExAC 0.00821; gnomAD 0.02538 and 0.02739; 1000 Genomes Project 0.02835; TOPMed 0.02871; 1000 Genomes Project 30x 0.03123; ESP Exome Variant Server 0.03314.
gnomAD v4.1: 7,749 of 1,608,034 alleles (0.48%); highest among the groups gnomAD compares: African/African-American, 8.7%; 291 homozygotes.

Submissions (17):

Labcorp Genetics (formerly Invitae), Labcorp
Classification: Benign. Last evaluated: 2026-01-19. Review status: criteria provided, single submitter. Criteria: Invitae Variant Classification Sherloc (09022015). Collection method: clinical testing. Allele origin: germline.

Mayo Clinic Laboratories, Mayo Clinic
Classification: Benign. Last evaluated: 2019-01-21. Review status: criteria provided, single submitter. Criteria: ACMG Guidelines, 2015. Collection method: clinical testing. Allele origin: germline. Observed: 16 variant alleles.

GeneDx
Classification: Benign. Last evaluated: 2016-03-21. Review status: criteria provided, single submitter. Criteria: GeneDx Variant Classification (06012015). Collection method: clinical testing. Allele origin: germline. Affected: yes.
Comment: This variant is considered likely benign or benign based on one or more of the following criteria: it is a conservative change, it occurs at a poorly conserved position in the protein, it is predicted to be benign by multiple in silico algorithms, and/or has population frequency not consistent with disease.

Breakthrough Genomics
Classification: Benign. Review status: criteria provided, single submitter. Criteria: ACMG Guidelines, 2015. Collection method: not provided. Allele origin: germline. Inheritance: Autosomal recessive inheritance. Affected: yes.

Dr. Peter K. Rogan Lab, Western University
No classification provided (evidence only). Condition: Lung cancer. Review status: no classification provided. Collection method: in vitro. Allele origin: not applicable. Functional consequence: skipped exon, retained intron. Not counted in ClinVar's aggregate classification.

Dr. Peter K. Rogan Lab, Western University
No classification provided (evidence only). Condition: Lung cancer. Review status: no classification provided. Collection method: in vitro. Allele origin: not applicable. Functional consequence: skipped exon. Not counted in ClinVar's aggregate classification.

Dr. Peter K. Rogan Lab, Western University
No classification provided (evidence only). Condition: Lung cancer. Review status: no classification provided. Collection method: in vitro. Allele origin: not applicable. Functional consequence: skipped exon. Not counted in ClinVar's aggregate classification.

Dr. Peter K. Rogan Lab, Western University
No classification provided (evidence only). Condition: Uterine corpus endometrial carcinoma. Review status: no classification provided. Collection method: in vitro. Allele origin: not applicable. Functional consequence: skipped exon. Not counted in ClinVar's aggregate classification.

Dr. Peter K. Rogan Lab, Western University
No classification provided (evidence only). Condition: Uterine corpus endometrial carcinoma. Review status: no classification provided. Collection method: in vitro. Allele origin: not applicable. Functional consequence: skipped exon, retained intron. Not counted in ClinVar's aggregate classification.

Dr. Peter K. Rogan Lab, Western University
No classification provided (evidence only). Condition: Cervical cancer. Review status: no classification provided. Collection method: in vitro. Allele origin: not applicable. Functional consequence: skipped exon, retained intron. Not counted in ClinVar's aggregate classification.

Dr. Peter K. Rogan Lab, Western University
No classification provided (evidence only). Condition: Cervical cancer. Review status: no classification provided. Collection method: in vitro. Allele origin: not applicable. Functional consequence: skipped exon. Not counted in ClinVar's aggregate classification.

Dr. Peter K. Rogan Lab, Western University
No classification provided (evidence only). Condition: Cervical cancer. Review status: no classification provided. Collection method: in vitro. Allele origin: not applicable. Functional consequence: skipped exon. Not counted in ClinVar's aggregate classification.

Dr. Peter K. Rogan Lab, Western University
No classification provided (evidence only). Condition: Sarcoma. Review status: no classification provided. Collection method: in vitro. Allele origin: not applicable. Functional consequence: skipped exon, retained intron. Not counted in ClinVar's aggregate classification.

Dr. Peter K. Rogan Lab, Western University
No classification provided (evidence only). Condition: Nonpapillary renal cell carcinoma. Review status: no classification provided. Collection method: in vitro. Allele origin: not applicable. Functional consequence: skipped exon. Not counted in ClinVar's aggregate classification.

Dr. Peter K. Rogan Lab, Western University
No classification provided (evidence only). Condition: Gastric cancer. Review status: no classification provided. Collection method: in vitro. Allele origin: not applicable. Functional consequence: retained intron. Not counted in ClinVar's aggregate classification.

Dr. Peter K. Rogan Lab, Western University
No classification provided (evidence only). Condition: Uterine carcinosarcoma. Review status: no classification provided. Collection method: in vitro. Allele origin: not applicable. Functional consequence: retained intron. Not counted in ClinVar's aggregate classification.

Dr. Peter K. Rogan Lab, Western University
No classification provided (evidence only). Condition: Chronic lymphocytic leukemia/small lymphocytic lymphoma. Review status: no classification provided. Collection method: in vitro. Allele origin: not applicable. Functional consequence: retained intron. Not counted in ClinVar's aggregate classification.